The following is an entry in ClinVar:

ClinVar aggregate classification (germline): Uncertain significance. Review status: criteria provided, multiple submitters, no conflicts (2 of 4 stars). 2 submissions from 2 submitters: Uncertain significance (2). Last evaluated 2024-05-10.

Conditions:
Hereditary cancer-predisposing syndrome. Also called: Tumor predisposition; Hereditary Cancer Syndrome; Neoplastic Syndromes, Hereditary; Hereditary neoplastic syndrome. Identifiers: Orphanet 140162, MedGen C0027672, MeSH D009386, MONDO:0015356.
Neuroblastoma, susceptibility to, 3. Also called: ALK-Related Neuroblastic Tumor Susceptibility. Identifiers: Orphanet 635, MedGen C2751681, MONDO:0013083, OMIM 613014.

gnomAD v4.1: 1 of 1,614,192 alleles (0.000062%); highest among the groups gnomAD compares: Non-Finnish European, 0.000085%; no homozygotes.

Submissions (2):

Ambry Genetics
Classification: Uncertain significance for Hereditary cancer-predisposing syndrome. Last evaluated: 2024-05-10. Review status: criteria provided, single submitter. Criteria: Ambry Variant Classification Scheme 2023. Collection method: clinical testing. Allele origin: germline.
Comment: The p.T573N variant (also known as c.1718C>A), located in coding exon 9 of the ALK gene, results from a C to A substitution at nucleotide position 1718. The threonine at codon 573 is replaced by asparagine, an amino acid with similar properties. This amino acid position is conserved. In addition, this alteration is predicted to be tolerated by in silico analysis. Based on the available evidence, the clinical significance of this variant remains unclear.

Labcorp Genetics (formerly Invitae), Labcorp
Classification: Uncertain significance for Neuroblastoma, susceptibility to, 3. Last evaluated: 2024-03-02. Review status: criteria provided, single submitter. Criteria: Invitae Variant Classification Sherloc (09022015). Collection method: clinical testing. Allele origin: germline.
Comment: This sequence change replaces threonine, which is neutral and polar, with asparagine, which is neutral and polar, at codon 573 of the ALK protein (p.Thr573Asn). This variant is not present in population databases (gnomAD no frequency). This variant has not been reported in the literature in individuals affected with ALK-related conditions. ClinVar contains an entry for this variant (Variation ID: 1015782). An algorithm developed to predict the effect of missense changes on protein structure and function (PolyPhen-2) suggests that this variant is likely to be disruptive. In summary, the available evidence is currently insufficient to determine the role of this variant in disease. Therefore, it has been classified as a Variant of Uncertain Significance.

NM_004304.5(ALK):c.1718C>A (p.Thr573Asn)

Gene: ALK (ALK receptor tyrosine kinase; minus strand). Cytogenetic location: 2p23.2.
Variant type: single nucleotide variant.
Coding change: c.1718C>A on transcript NM_004304.5 (MANE Select); coding-DNA position 1718, C replaced by A.
Protein change: p.Thr573Asn; replaces threonine 573 with asparagine.
Molecular consequence: missense variant.
Genome position (GRCh38, 1-based): chr2:29,296,987, G>T on the plus strand (C>A on the coding strand, the complement: ALK is on the minus strand). VCF-style: chr2-29296987-G-T. GRCh37 (hg19) VCF-style: chr2-29519853-G-T.
Other names: c.1718C>A (NM_004304.4); short protein forms T573N.
Identifiers: ClinVar variation 1015782 (VCV001015782.9), dbSNP rs1666205088, ClinGen allele CA346466358.
Genomic context (GRCh38, chr2:29,296,987, plus strand): 5'-CACAGGCTCAAGCCTTCATAGGCGGCGACATGCCAGACCATCCTGCCTTGCTCCTTCCCG[G>T]TTTTGTTCTCCACTAGCACCAAGGACACGTTTCCCCTCAAGACTCCACGAATGAGCCAGG-3'
Protein context (NP_004295.2, residues 563-583): NVSLVLVENK[Thr573Asn]GKEQGRMVWH